The following is an entry in ClinVar:

NM_004260.4(RECQL4):c.244C>T (p.Leu82=)

Gene: RECQL4 (RecQ like helicase 4; minus strand). Cytogenetic location: 8q24.3.
Variant type: single nucleotide variant.
Coding change: c.244C>T on transcript NM_004260.4 (MANE Select); coding-DNA position 244, C replaced by T.
Protein change: p.Leu82=; no amino-acid change (leucine 82 retained).
Molecular consequence: synonymous variant. On other transcripts: 5 prime UTR variant (17), non-coding transcript variant (3).
Genome position (GRCh38, 1-based): chr8:144,517,160, G>A on the plus strand (C>T on the coding strand, the complement: RECQL4 is on the minus strand). VCF-style: chr8-144517160-G-A. GRCh37 (hg19) VCF-style: chr8-145742544-G-A.
Other names: c.244C>T, p.Leu82= (NM_001413017.1, NM_001413018.1, NM_001413019.1 and 5 more transcripts); c.-477C>T (NM_001413021.1); c.-828C>T (NM_001413022.1, NM_001413023.1, NM_001413037.1 and 3 more transcripts); c.-725C>T (NM_001413024.1, NM_001413035.1); c.115C>T, p.Leu39= (NM_001413025.1); c.-890C>T (NM_001413027.1, NM_001413030.1, NM_001413031.1 and 1 more transcripts); c.-553C>T (NM_001413028.1); c.-787C>T (NM_001413032.1); and 3 more.
Identifiers: ClinVar variation 2159666 (VCV002159666.6), dbSNP rs749101720, ClinGen allele CA4949411.

ClinVar aggregate classification (germline): Likely benign. Review status: criteria provided, multiple submitters, no conflicts (2 of 4 stars). 2 submissions from 2 submitters: Likely benign (2). Last evaluated 2025-07-22.

Conditions:
Baller-Gerold syndrome (BGS). Also called: CRANIOSYNOSTOSIS WITH RADIAL DEFECTS. Identifiers: Orphanet 1225, MedGen C0265308, MONDO:0009039, OMIM 218600.
Inborn genetic diseases. Identifiers: MedGen C0950123, MeSH D030342.
Rothmund-Thomson syndrome (RTS). Also called: Poikiloderma Congenitale; Poikiloderma of Rothmund-Thomson. Identifiers: Orphanet 2909, MedGen C0032339, MONDO:0010002.
Rapadilino syndrome. Identifiers: Orphanet 3021, MedGen C1849453, MONDO:0009955, OMIM 266280.

Allele frequency attached by ClinVar (database versions not stated): gnomAD exomes below 0.00001; ExAC 0.00001.
gnomAD v4.1: 1 of 1,609,790 alleles (0.000062%); highest among the groups gnomAD compares: Non-Finnish European, 0.000085%; no homozygotes.

Submissions (2):

Ambry Genetics
Classification: Likely benign for Inborn genetic diseases. Last evaluated: 2025-07-22. Review status: criteria provided, single submitter. Criteria: Ambry Variant Classification Scheme 2023. Collection method: clinical testing. Allele origin: germline.

Labcorp Genetics (formerly Invitae), Labcorp
Classification: Likely benign for Baller-Gerold syndrome. Last evaluated: 2024-02-24. Review status: criteria provided, single submitter. Criteria: Invitae Variant Classification Sherloc (09022015). Collection method: clinical testing. Allele origin: germline.